The following is an entry in ClinVar:

NM_000138.5(FBN1):c.3896C>T (p.Thr1299Met)

Gene: FBN1 (fibrillin 1; minus strand). Cytogenetic location: 15q21.1.
Variant type: single nucleotide variant.
Coding change: c.3896C>T on transcript NM_000138.5 (MANE Select); coding-DNA position 3896, C replaced by T.
Protein change: p.Thr1299Met; replaces threonine 1299 with methionine.
Molecular consequence: missense variant.
Genome position (GRCh38, 1-based): chr15:48,481,723, G>A on the plus strand (C>T on the coding strand, the complement: FBN1 is on the minus strand). VCF-style: chr15-48481723-G-A. GRCh37 (hg19) VCF-style: chr15-48773920-G-A.
Other names: short protein forms T1299M.
Identifiers: ClinVar variation 316375 (VCV000316375.27), dbSNP rs774851476, ClinGen allele CA051669.

ClinVar aggregate classification (germline): Benign/Likely benign. Review status: criteria provided, multiple submitters, no conflicts (2 of 4 stars). 14 submissions from 8 submitters: Benign (6); Likely benign (8). Last evaluated 2026-08-01.

Conditions:
Familial thoracic aortic aneurysm and aortic dissection (TAAD). Also called: Thoracic aortic aneurysms and dissections. Identifiers: Orphanet 91387, MedGen C4707243, MONDO:0019625.
Geleophysic dysplasia. Identifiers: Orphanet 2623, MedGen C3489726, MONDO:0000127.
Stiff skin syndrome (SSKS). Identifiers: Orphanet 2833, MedGen C1861456, MONDO:0008492, OMIM 184900.
Ectopia lentis 1, isolated, autosomal dominant (ECTOL1). Identifiers: Orphanet 1885, MedGen C3541518, MONDO:0007514, OMIM 129600.
Marfan syndrome (MFS). Also called: Marfan syndrome, classic; Marfan syndrome type 1; Marfan's syndrome; MARFAN SYNDROME, TYPE I; FBN1-Related Marfan Syndrome. Identifiers: Orphanet 284963, Orphanet 558, MedGen C0024796, MONDO:0007947, OMIM 154700.
Weill-Marchesani syndrome. Also called: WM Syndrome; Mesodermal dysmorphodystrophy congenital. Identifiers: Orphanet 3449, MedGen C0265313, MONDO:0018096.
Acromicric dysplasia (ACMICD). Also called: Acromicric skeletal dysplasia. Identifiers: Orphanet 969, MedGen C0265287, MONDO:0007055, OMIM 102370.

Allele frequency attached by ClinVar (database versions not stated): gnomAD 0.00004 and 0.00005; TOPMed 0.00006; gnomAD exomes 0.00007 and 0.00029; ExAC 0.00025.
gnomAD v4.1: 101 of 1,613,562 alleles (0.0063%); highest among the groups gnomAD compares: Admixed American, 0.14%; no homozygotes.

Submissions (14):

CeGaT Center for Human Genetics Tuebingen
Classification: Likely benign. Last evaluated: 2026-08-01. Review status: criteria provided, single submitter. Criteria: CeGaT Center For Human Genetics Tuebingen Variant Classification Criteria Version 2. Collection method: clinical testing. Allele origin: germline. Affected: yes. Observed: 5 variant alleles.
Comment: FBN1: BS1

Labcorp Genetics (formerly Invitae), Labcorp
Classification: Likely benign for Marfan syndrome; Familial thoracic aortic aneurysm and aortic dissection. Last evaluated: 2025-12-14. Review status: criteria provided, single submitter. Criteria: Invitae Variant Classification Sherloc (09022015). Collection method: clinical testing. Allele origin: germline.

All of Us Research Program, National Institutes of Health
Classification: Likely benign for Marfan syndrome. Last evaluated: 2024-05-30. Review status: criteria provided, single submitter. Criteria: ACMG Guidelines, 2015. Collection method: clinical testing. Allele origin: germline. Inheritance: Autosomal dominant inheritance. Observed: 22 variant alleles, 22 heterozygotes.
Comment: This study involves interpretation of variants in research participants for the purpose of population health screening. Participant phenotype was not available at the time of variant classification. Additional details can be found in publication PMID: 35346344, PMCID: PMC8962531

Women's Health and Genetics/Laboratory Corporation of America, LabCorp
Classification: Likely benign. Last evaluated: 2023-02-13. Review status: criteria provided, single submitter. Criteria: LabCorp Variant Classification Summary - May 2015. Collection method: clinical testing. Allele origin: germline.

Ambry Genetics
Classification: Likely benign for Familial thoracic aortic aneurysm and aortic dissection. Last evaluated: 2020-06-17. Review status: criteria provided, single submitter. Criteria: Ambry Variant Classification Scheme 2023. Collection method: clinical testing. Allele origin: germline.

Color Diagnostics, LLC DBA Color Health
Classification: Likely benign for Familial thoracic aortic aneurysm and aortic dissection. Last evaluated: 2019-08-28. Review status: criteria provided, single submitter. Criteria: ACMG Guidelines, 2015. Collection method: clinical testing. Allele origin: germline.

Illumina Laboratory Services, Illumina
Classification: Benign for Familial thoracic aortic aneurysm and aortic dissection. Last evaluated: 2018-06-05. Review status: criteria provided, single submitter. Criteria: ICSL Variant Classification Criteria 13 December 2019. Collection method: clinical testing. Allele origin: germline.
Comment: This variant was observed as part of a predisposition screen in an ostensibly healthy population. A literature search was performed for the gene, cDNA change, and amino acid change (where applicable). No publications were found based on this search. Allele frequency data from public databases was too high to be consistent with this variant causing disease. Therefore, this variant is classified as benign.

GeneDx
Classification: Likely benign. Last evaluated: 2018-01-25. Review status: criteria provided, single submitter. Criteria: GeneDx Variant Classification (06012015). Collection method: clinical testing. Allele origin: germline. Affected: yes.
Comment: This variant is considered likely benign or benign based on one or more of the following criteria: it is a conservative change, it occurs at a poorly conserved position in the protein, it is predicted to be benign by multiple in silico algorithms, and/or has population frequency not consistent with disease.

Illumina Laboratory Services, Illumina
Classification: Likely benign for Marfan syndrome. Last evaluated: 2018-01-13. Review status: criteria provided, single submitter. Criteria: ICSL Variant Classification Criteria 13 December 2019. Collection method: clinical testing. Allele origin: germline.
Comment: This variant was observed as part of a predisposition screen in an ostensibly healthy population. A literature search was performed for the gene, cDNA change, and amino acid change (where applicable). No publications were found based on this search. Allele frequency data from public databases allowed determination this variant is unlikely to cause disease. Therefore, this variant is classified as likely benign.

Illumina Laboratory Services, Illumina
Classification: Benign for Ectopia lentis 1, isolated, autosomal dominant. Last evaluated: 2018-01-13. Review status: criteria provided, single submitter. Criteria: ICSL Variant Classification Criteria 13 December 2019. Collection method: clinical testing. Allele origin: germline.
Comment: the same text as in the submission from Illumina Laboratory Services, Illumina above.

Illumina Laboratory Services, Illumina
Classification: Benign for Weill-Marchesani syndrome. Last evaluated: 2018-01-13. Review status: criteria provided, single submitter. Criteria: ICSL Variant Classification Criteria 13 December 2019. Collection method: clinical testing. Allele origin: germline.
Comment: the same text as in the submission from Illumina Laboratory Services, Illumina above.

Illumina Laboratory Services, Illumina
Classification: Benign for Geleophysic dysplasia. Last evaluated: 2018-01-13. Review status: criteria provided, single submitter. Criteria: ICSL Variant Classification Criteria 13 December 2019. Collection method: clinical testing. Allele origin: germline.
Comment: the same text as in the submission from Illumina Laboratory Services, Illumina above.

Illumina Laboratory Services, Illumina
Classification: Benign for Acromicric dysplasia. Last evaluated: 2018-01-13. Review status: criteria provided, single submitter. Criteria: ICSL Variant Classification Criteria 13 December 2019. Collection method: clinical testing. Allele origin: germline.
Comment: the same text as in the submission from Illumina Laboratory Services, Illumina above.

Illumina Laboratory Services, Illumina
Classification: Benign for Stiff skin syndrome. Last evaluated: 2018-01-13. Review status: criteria provided, single submitter. Criteria: ICSL Variant Classification Criteria 13 December 2019. Collection method: clinical testing. Allele origin: germline.
Comment: the same text as in the submission from Illumina Laboratory Services, Illumina above.